The following is an entry in ClinVar:

ClinVar aggregate classification (germline): Uncertain significance (1 of 4 stars; one submission).

Conditions:
Neuropathy, hereditary sensory and autonomic, type 2A (HSAN2A). Also called: MORVAN DISEASE; NEUROPATHY, CONGENITAL SENSORY; NEUROPATHY, HEREDITARY SENSORY RADICULAR, AUTOSOMAL RECESSIVE; NEUROPATHY, HEREDITARY SENSORY, TYPE IIA; NEUROPATHY, PROGRESSIVE SENSORY, OF CHILDREN; ACROOSTEOLYSIS, GIACCAI TYPE. Identifiers: Orphanet 970, MedGen C2752089, MONDO:0024309, OMIM 201300.
Pseudohypoaldosteronism type 2C (PHA2C). Also called: Pseudohypoaldosteronism Type IIC. Identifiers: Orphanet 757, Orphanet 88940, MedGen C1840391, MONDO:0013778, OMIM 614492.

gnomAD v4.1: 1 of 1,612,370 alleles (0.000062%); no homozygotes.

Submission:

Labcorp Genetics (formerly Invitae), Labcorp
Classification: Uncertain significance for Neuropathy, hereditary sensory and autonomic, type 2A; Pseudohypoaldosteronism type 2C. Last evaluated: 2022-09-03. Review status: criteria provided, single submitter. Criteria: Invitae Variant Classification Sherloc (09022015). Collection method: clinical testing. Allele origin: germline.
Comment: In summary, the available evidence is currently insufficient to determine the role of this variant in disease. Therefore, it has been classified as a Variant of Uncertain Significance. Advanced modeling of protein sequence and biophysical properties (such as structural, functional, and spatial information, amino acid conservation, physicochemical variation, residue mobility, and thermodynamic stability) performed at Invitae indicates that this missense variant is not expected to disrupt WNK1 protein function. This variant has not been reported in the literature in individuals affected with WNK1-related conditions. This variant is present in population databases (no rsID available, gnomAD 0.03%). This sequence change replaces threonine, which is neutral and polar, with alanine, which is neutral and non-polar, at codon 12 of the WNK1 protein (p.Thr12Ala).

NM_018979.4(WNK1):c.34A>G (p.Thr12Ala)

Gene: WNK1 (WNK lysine deficient protein kinase 1; plus strand). Cytogenetic location: 12p13.33.
Variant type: single nucleotide variant.
Coding change: c.34A>G on transcript NM_018979.4 (MANE Select); coding-DNA position 34, A replaced by G.
Protein change: p.Thr12Ala; replaces threonine 12 with alanine.
Molecular consequence: missense variant.
Genome position (GRCh38, 1-based): chr12:753,599, A>G. VCF-style: chr12-753599-A-G. GRCh37 (hg19) VCF-style: chr12-862765-A-G.
Other names: c.34A>G, p.Thr12Ala (NM_001184985.2, NM_014823.3, NM_213655.5); short protein forms T12A.
Identifiers: ClinVar variation 1718747 (VCV001718747.5), dbSNP rs1348704504, ClinGen allele CA383303390.